The following is an entry in ClinVar:

NM_177924.5(ASAH1):c.952C>T (p.Gln318Ter)

Gene: ASAH1 (N-acylsphingosine amidohydrolase 1; minus strand). Cytogenetic location: 8p22.
Variant type: single nucleotide variant.
Coding change: c.952C>T on transcript NM_177924.5 (MANE Select); coding-DNA position 952, C replaced by T.
Protein change: p.Gln318Ter; replaces glutamine 318 with a stop codon.
Molecular consequence: nonsense.
Genome position (GRCh38, 1-based): chr8:18,059,430, G>A on the plus strand (C>T on the coding strand, the complement: ASAH1 is on the minus strand). VCF-style: chr8-18059430-G-A. GRCh37 (hg19) VCF-style: chr8-17916939-G-A.
Other names: c.934C>T, p.Gln312Ter (NM_001127505.3); c.757C>T, p.Gln253Ter (NM_001363743.2); c.1000C>T, p.Gln334Ter (NM_004315.6); short protein forms Q253*, Q318*, Q312*, Q334*.
Identifiers: ClinVar variation 2103233 (VCV002103233.4), dbSNP rs1056985038, ClinGen allele CA370427550.

ClinVar aggregate classification (germline): Pathogenic (1 of 4 stars; one submission).

Submission:

Labcorp Genetics (formerly Invitae), Labcorp
Classification: Pathogenic. Last evaluated: 2024-02-05. Review status: criteria provided, single submitter. Criteria: Invitae Variant Classification Sherloc (09022015). Collection method: clinical testing. Allele origin: germline.
Comment: This sequence change creates a premature translational stop signal (p.Gln318*) in the ASAH1 gene. It is expected to result in an absent or disrupted protein product. Loss-of-function variants in ASAH1 are known to be pathogenic (PMID: 24164096, 24355074). This variant is not present in population databases (gnomAD no frequency). This variant has not been reported in the literature in individuals affected with ASAH1-related conditions. ClinVar contains an entry for this variant (Variation ID: 2103233). Algorithms developed to predict the effect of sequence changes on RNA splicing suggest that this variant may disrupt the consensus splice site. For these reasons, this variant has been classified as Pathogenic.

Literature cited by the submitters: PubMed 24164096; PubMed 24355074.